The following is an entry in ClinVar:

ClinVar aggregate classification (germline): Conflicting classifications of pathogenicity. Review status: criteria provided, conflicting classifications (1 of 4 stars). 2 submissions from 2 submitters: Uncertain significance (1); Likely benign (1). Last evaluated 2023-03-23.

Conditions:
Hereditary cancer-predisposing syndrome. Also called: Hereditary Cancer Syndrome; Tumor predisposition; Hereditary neoplastic syndrome; Neoplastic Syndromes, Hereditary. Identifiers: Orphanet 140162, MedGen C0027672, MeSH D009386, MONDO:0015356.
Hereditary breast ovarian cancer syndrome. Also called: Hereditary breast and ovarian cancer syndrome (HBOC); Breast and ovarian cancer; Hereditary breast and ovarian cancer syndrome; Hereditary breast and ovarian cancer; Hereditary breast and/or ovarian cancer syndrome; BRCA1- and BRCA2-Associated Hereditary Breast and Ovarian Cancer. Identifiers: Orphanet 145, MedGen C0677776, MeSH D061325, MONDO:0003582. Disease mechanism: loss of function.

Submissions (2):

University of Washington Department of Laboratory Medicine, University of Washington
Classification: Likely benign for Hereditary cancer-predisposing syndrome. Last evaluated: 2023-03-23. Review status: criteria provided, single submitter. Criteria: Dines et al. (Genet Med. 2020). Collection method: curation. Allele origin: germline.
Comment: Missense variant in a coldspot region where missense variants are very unlikely to be pathogenic (PMID:31911673).

BRCA2 exon 10 coldspot. Reclassification based on statistical prior probability.

Labcorp Genetics (formerly Invitae), Labcorp
Classification: Uncertain significance for Hereditary breast ovarian cancer syndrome. Last evaluated: 2021-01-10. Review status: criteria provided, single submitter. Criteria: Invitae Variant Classification Sherloc (09022015). Collection method: clinical testing. Allele origin: germline.
Comment: In summary, the available evidence is currently insufficient to determine the role of this variant in disease. Therefore, it has been classified as a Variant of Uncertain Significance. Algorithms developed to predict the effect of missense changes on protein structure and function output the following: SIFT: "Tolerated"; PolyPhen-2: "Benign"; Align-GVGD: "Class C0". The aspartic acid amino acid residue is found in multiple mammalian species, suggesting that this missense change does not adversely affect protein function. These predictions have not been confirmed by published functional studies and their clinical significance is uncertain. This variant has not been reported in the literature in individuals with BRCA2-related conditions. This variant is not present in population databases (ExAC no frequency). This sequence change replaces glutamic acid with aspartic acid at codon 340 of the BRCA2 protein (p.Glu340Asp). The glutamic acid residue is weakly conserved and there is a small physicochemical difference between glutamic acid and aspartic acid.

NM_000059.4(BRCA2):c.1020A>T (p.Glu340Asp)

Gene: BRCA2 (BRCA2 DNA repair associated; plus strand). Cytogenetic location: 13q13.1.
Variant type: single nucleotide variant.
Coding change: c.1020A>T on transcript NM_000059.4 (MANE Select); coding-DNA position 1020, A replaced by T.
Protein change: p.Glu340Asp; replaces glutamic acid 340 with aspartic acid.
Molecular consequence: missense variant.
Genome position (GRCh38, 1-based): chr13:32,332,498, A>T. VCF-style: chr13-32332498-A-T. GRCh37 (hg19) VCF-style: chr13-32906635-A-T.
Other names: short protein forms E340D.
Identifiers: ClinVar variation 1040754 (VCV001040754.10), dbSNP rs2072402711, ClinGen allele CA387761120.